The following is an entry in ClinVar:

NM_001371986.1(UNC80):c.667C>T (p.Gln223Ter)

Gene: UNC80 (unc-80 subunit of NALCN channel complex; plus strand). Cytogenetic location: 2q34.
Variant type: single nucleotide variant.
Coding change: c.667C>T on transcript NM_001371986.1 (MANE Select); coding-DNA position 667, C replaced by T.
Protein change: p.Gln223Ter; replaces glutamine 223 with a stop codon.
Molecular consequence: nonsense.
Genome position (GRCh38, 1-based): chr2:209,786,132, C>T. VCF-style: chr2-209786132-C-T. GRCh37 (hg19) VCF-style: chr2-210650856-C-T.
Other names: c.667C>T, p.Gln223Ter (NM_032504.2, NM_182587.4); short protein forms Q223*.
Identifiers: ClinVar variation 2103634 (VCV002103634.4), dbSNP rs1451568611, ClinGen allele CA350131724.

ClinVar aggregate classification (germline): Pathogenic (1 of 4 stars; one submission).

Allele frequency attached by ClinVar (database versions not stated): gnomAD exomes below 0.00001.
gnomAD v4.1: 1 of 1,614,096 alleles (0.000062%); highest among the groups gnomAD compares: Non-Finnish European, 0.000085%; no homozygotes.

Submission:

Labcorp Genetics (formerly Invitae), Labcorp
Classification: Pathogenic. Last evaluated: 2022-02-25. Review status: criteria provided, single submitter. Criteria: Invitae Variant Classification Sherloc (09022015). Collection method: clinical testing. Allele origin: germline.
Comment: For these reasons, this variant has been classified as Pathogenic. This variant has not been reported in the literature in individuals affected with UNC80-related conditions. This variant is not present in population databases (gnomAD no frequency). This sequence change creates a premature translational stop signal (p.Gln223*) in the UNC80 gene. It is expected to result in an absent or disrupted protein product. Loss-of-function variants in UNC80 are known to be pathogenic (PMID: 26545877, 26708751, 26708753).

Literature cited by the submitters: PubMed 26545877; PubMed 26708751; PubMed 26708753.